The following is an entry in ClinVar:

ClinVar aggregate classification (germline): Uncertain significance. Review status: criteria provided, multiple submitters, no conflicts (2 of 4 stars). 6 submissions from 6 submitters: Uncertain significance (6). Last evaluated 2026-06-17.

Conditions:
CNGB1-related disorder. Also called: CNGB1-related condition.
Inborn genetic diseases. Identifiers: MedGen C0950123, MeSH D030342.
Retinal dystrophy. Also called: Inherited retinal dystrophy. Identifiers: Orphanet 71862, MedGen C0854723, MeSH D058499, MONDO:0019118, HP:0000556.

Allele frequency attached by ClinVar (database versions not stated): gnomAD 0.00006; gnomAD exomes 0.00006 and 0.00009; ExAC 0.00008; TOPMed 0.00008.
gnomAD v4.1: 92 of 1,613,736 alleles (0.0057%); highest among the groups gnomAD compares: Admixed American, 0.032%; no homozygotes.

Submissions (6):

PreventionGenetics, part of Exact Sciences
Classification: Uncertain significance for CNGB1-related condition. Last evaluated: 2026-06-17. Review status: criteria provided, single submitter. Criteria: ACMG Guidelines, 2015. Collection method: clinical testing. Allele origin: germline.
Comment: The CNGB1 c.2656G>A variant is predicted to result in the amino acid substitution p.Ala886Thr. To our knowledge, this variant has not been reported in the literature. This variant is reported in 0.035% of alleles in individuals of Latino descent in gnomAD. At this time, the clinical significance of this variant is uncertain due to the absence of conclusive functional and genetic evidence.

Ambry Genetics
Classification: Uncertain significance for Inborn genetic diseases. Last evaluated: 2025-05-25. Review status: criteria provided, single submitter. Criteria: Ambry Variant Classification Scheme 2023. Collection method: clinical testing. Allele origin: germline.

Labcorp Genetics (formerly Invitae), Labcorp
Classification: Uncertain significance. Last evaluated: 2023-12-11. Review status: criteria provided, single submitter. Criteria: Invitae Variant Classification Sherloc (09022015). Collection method: clinical testing. Allele origin: germline.
Comment: This sequence change replaces alanine, which is neutral and non-polar, with threonine, which is neutral and polar, at codon 886 of the CNGB1 protein (p.Ala886Thr). This variant is present in population databases (rs758922488, gnomAD 0.04%). This variant has not been reported in the literature in individuals affected with CNGB1-related conditions. ClinVar contains an entry for this variant (Variation ID: 196014). Advanced modeling of protein sequence and biophysical properties (such as structural, functional, and spatial information, amino acid conservation, physicochemical variation, residue mobility, and thermodynamic stability) performed at Invitae indicates that this missense variant is expected to disrupt CNGB1 protein function with a positive predictive value of 80%. In summary, the available evidence is currently insufficient to determine the role of this variant in disease. Therefore, it has been classified as a Variant of Uncertain Significance.

Blueprint Genetics
Classification: Uncertain significance. Last evaluated: 2023-10-18. Review status: criteria provided, single submitter. Criteria: ACMG Guidelines, 2015. Collection method: clinical testing. Allele origin: germline.

Dept Of Ophthalmology, Nagoya University
Classification: Uncertain significance for Retinal dystrophy. Last evaluated: 2023-10-01. Review status: criteria provided, single submitter. Criteria: Submitter's publication. Collection method: research. Allele origin: germline. Affected: yes.

Eurofins Ntd Llc (ga)
Classification: Uncertain significance. Last evaluated: 2014-08-11. Review status: criteria provided, single submitter. Criteria: EGL Classification Definitions 2015. Collection method: clinical testing. Allele origin: germline. Observed: 1 variant allele, 1 heterozygote.

NM_001297.5(CNGB1):c.2656G>A (p.Ala886Thr)

Gene: CNGB1 (cyclic nucleotide gated channel subunit beta 1; minus strand). Cytogenetic location: 16q21.
Variant type: single nucleotide variant.
Coding change: c.2656G>A on transcript NM_001297.5 (MANE Select); coding-DNA position 2656, G replaced by A.
Protein change: p.Ala886Thr; replaces alanine 886 with threonine.
Molecular consequence: missense variant.
Genome position (GRCh38, 1-based): chr16:57,903,960, C>T on the plus strand (G>A on the coding strand, the complement: CNGB1 is on the minus strand). VCF-style: chr16-57903960-C-T. GRCh37 (hg19) VCF-style: chr16-57937864-C-T.
Other names: c.2638G>A, p.Ala880Thr (NM_001286130.2); c.2656G>A (NM_001297.4); short protein forms A886T, A880T.
Identifiers: ClinVar variation 196014 (VCV000196014.14), dbSNP rs758922488, ClinGen allele CA242761.